The following is an entry in ClinVar:

ClinVar aggregate classification (germline): Pathogenic. Review status: reviewed by expert panel (3 of 4 stars). 8 submissions from 8 submitters: Pathogenic (1). 7 of the submissions do not count toward it. Last evaluated 2016-09-08.

Conditions:
Hereditary cancer-predisposing syndrome. Also called: Hereditary Cancer Syndrome; Tumor predisposition; Neoplastic Syndromes, Hereditary; Hereditary neoplastic syndrome. Identifiers: Orphanet 140162, MedGen C0027672, MeSH D009386, MONDO:0015356.
Hereditary breast ovarian cancer syndrome. Also called: Hereditary breast and ovarian cancer syndrome; Breast and ovarian cancer; BRCA1- and BRCA2-Associated Hereditary Breast and Ovarian Cancer; Hereditary breast and ovarian cancer; Hereditary breast and ovarian cancer syndrome (HBOC); Hereditary breast and/or ovarian cancer syndrome. Identifiers: Orphanet 145, MedGen C0677776, MeSH D061325, MONDO:0003582. Disease mechanism: loss of function.
Breast-ovarian cancer, familial, susceptibility to, 2 (BROVCA2). Also called: BRCA2 Hereditary Breast and Ovarian Cancer. Identifiers: Orphanet 145, MedGen C2675520, MONDO:0012933, OMIM 612555. Disease mechanism: loss of function.

Submissions (8):

Evidence-based Network for the Interpretation of Germline Mutant Alleles (ENIGMA)
Classification: Pathogenic for Breast-ovarian cancer, familial, susceptibility to, 2. Last evaluated: 2016-09-08. Review status: reviewed by expert panel. Criteria: ENIGMA BRCA1/2 Classification Criteria (2015). Collection method: curation. Allele origin: germline.
Comment: Variant allele predicted to encode a truncated non-functional protein.

Labcorp Genetics (formerly Invitae), Labcorp
Classification: Pathogenic for Hereditary breast ovarian cancer syndrome. Last evaluated: 2025-11-11. Review status: criteria provided, single submitter. Criteria: Invitae Variant Classification Sherloc (09022015). Collection method: clinical testing. Allele origin: germline. Not counted in ClinVar's aggregate classification.
Comment: This sequence change creates a premature translational stop signal (p.Glu1812*) in the BRCA2 gene. It is expected to result in an absent or disrupted protein product. Loss-of-function variants in BRCA2 are known to be pathogenic (PMID: 20104584). This variant is not present in population databases (gnomAD no frequency). This premature translational stop signal has been observed in individual(s) with a personal history or increased risk of breast and/or ovarian cancer (PMID: 21913181, 29446198). ClinVar contains an entry for this variant (Variation ID: 51862). For these reasons, this variant has been classified as Pathogenic.

Variantyx, Inc.
Classification: Pathogenic for Breast-ovarian cancer, familial, susceptibility to, 2. Last evaluated: 2025-10-24. Review status: criteria provided, single submitter. Criteria: Variantyx Assertion Criteria 2022. Collection method: clinical testing. Allele origin: germline. Inheritance: Autosomal dominant inheritance. Affected: yes. Not counted in ClinVar's aggregate classification.
Comment: This is a nonsense variant in the BRCA2 gene (OMIM: 600185). Pathogenic variants in this gene have been associated with autosomal dominant susceptibility to familial breast ovarian cancer 2. This variant introduces a premature termination codon in exon 11 out of 27 and is expected to result in loss of function, which is a known disease mechanism for BRCA2 in this disorder (PMID: 20104584) (PVS1). It \has been reported in at least two unrelated affected individuals (PMID: 21913181, 29446198) but it is absent from control populations (PM2). Based on the current evidence, this variant is classified as pathogenic for autosomal dominant susceptibility to familial breast ovarian cancer 2.

Ambry Genetics
Classification: Pathogenic for Hereditary cancer-predisposing syndrome. Last evaluated: 2022-08-17. Review status: criteria provided, single submitter. Criteria: Ambry Variant Classification Scheme 2023. Collection method: clinical testing. Allele origin: germline. Not counted in ClinVar's aggregate classification.
Comment: The p.E1812* pathogenic mutation (also known as c.5434G>T), located in coding exon 10 of the BRCA2 gene, results from a G to T substitution at nucleotide position 5434. This changes the amino acid from a glutamic acid to a stop codon within coding exon 10. This alteration has been reported in the literature as a deleterious mutation, identified in a cohort of 132 BRCA-positive women with breast cancer (Litton JK et al. Cancer 2012 Jan; 118(2):321-5). This variant is considered to be rare based on population cohorts in the Genome Aggregation Database (gnomAD). In addition to the clinical data presented in the literature, this alteration is expected to result in loss of function by premature protein truncation or nonsense-mediated mRNA decay. As such, this alteration is interpreted as a disease-causing mutation.

Women's Health and Genetics/Laboratory Corporation of America, LabCorp
Classification: Pathogenic for Hereditary breast and ovarian cancer syndrome. Last evaluated: 2020-01-06. Review status: criteria provided, single submitter. Criteria: LabCorp Variant Classification Summary - May 2015. Collection method: clinical testing. Allele origin: germline. Not counted in ClinVar's aggregate classification.
Comment: Variant summary: BRCA2 c.5434G>T (p.Glu1812X) results in a premature termination codon, predicted to cause a truncation of the encoded protein or absence of the protein due to nonsense mediated decay, which are commonly known mechanisms for disease. Truncations downstream of this position have been classified as pathogenic by our laboratory. The variant was absent in 251200 control chromosomes. c.5434G>T has been reported in the literature in individuals affected with Hereditary Breast and Ovarian Cancer (Rebbeck_2018, Litton_2012). To our knowledge, no experimental evidence demonstrating an impact on protein function has been reported. Four clinical diagnostic laboratories have submitted clinical-significance assessments for this variant to ClinVar after 2014 without evidence for independent evaluation. All laboratories classified the variant as pathogenic. Based on the evidence outlined above, the variant was classified as pathogenic.

Consortium of Investigators of Modifiers of BRCA1/2 (CIMBA), c/o University of Cambridge
Classification: Pathogenic for Breast-ovarian cancer, familial, susceptibility to, 2. Last evaluated: 2015-10-02. Review status: criteria provided, single submitter. Criteria: CIMBA Mutation Classification guidelines May 2016. Collection method: clinical testing. Allele origin: germline. Not counted in ClinVar's aggregate classification.

Counsyl
Classification: Pathogenic for Breast-ovarian cancer, familial, susceptibility to, 2. Last evaluated: 2016-01-24. Review status: no assertion criteria provided. Collection method: clinical testing. Allele origin: unknown. Not counted in ClinVar's aggregate classification.

Breast Cancer Information Core (BIC) (BRCA2)
Classification: Pathogenic for Breast-ovarian cancer, familial 2. Last evaluated: 2004-02-20. Review status: no assertion criteria provided. Collection method: clinical testing. Allele origin: germline. Affected: yes. Observed: 2 variant alleles. Not counted in ClinVar's aggregate classification.

Literature cited by the submitters: PubMed 20104584 (cited by Labcorp Genetics (formerly Invitae), Labcorp and Variantyx, Inc.); PubMed 21913181 (cited by 5 submitters); PubMed 29446198 (cited by 4 submitters); PubMed 12048272 (cited by Counsyl).

NM_000059.4(BRCA2):c.5434G>T (p.Glu1812Ter)

Gene: BRCA2 (BRCA2 DNA repair associated; plus strand). Cytogenetic location: 13q13.1.
Variant type: single nucleotide variant.
Coding change: c.5434G>T on transcript NM_000059.4 (MANE Select); coding-DNA position 5434, G replaced by T.
Protein change: p.Glu1812Ter; replaces glutamic acid 1812 with a stop codon.
Molecular consequence: nonsense.
Genome position (GRCh38, 1-based): chr13:32,339,789, G>T. VCF-style: chr13-32339789-G-T. GRCh37 (hg19) VCF-style: chr13-32913926-G-T.
Other names: short protein forms E1812*.
Identifiers: ClinVar variation 51862 (VCV000051862.22), dbSNP rs80358767, ClinGen allele CA022320.